The following is an entry in ClinVar:

NM_152383.5(DIS3L2):c.695C>T (p.Ser232Leu)

Gene: DIS3L2 (DIS3 like 3'-5' exoribonuclease 2; plus strand). Cytogenetic location: 2q37.1.
Variant type: single nucleotide variant.
Coding change: c.695C>T on transcript NM_152383.5 (MANE Select); coding-DNA position 695, C replaced by T.
Protein change: p.Ser232Leu; replaces serine 232 with leucine.
Molecular consequence: missense variant. On other transcripts: non-coding transcript variant (2).
Genome position (GRCh38, 1-based): chr2:232,130,712, C>T. VCF-style: chr2-232130712-C-T. GRCh37 (hg19) VCF-style: chr2-232995422-C-T.
Other names: c.695C>T, p.Ser232Leu (NM_001257281.2, NM_001257282.2); short protein forms S232L.
Identifiers: ClinVar variation 576703 (VCV000576703.10), dbSNP rs747734015, ClinGen allele CA2163902.
Genomic context (GRCh38, chr2:232,130,712, plus strand): 5'-ATGAGACCACCTGCATTTCACAAGACACAAGAGCTTTATCGGAGAAATCCCTGCAAAGAT[C>T]AGCAAAGGTCATTGCCTACAGATTTTCTCCACGTGTCCAAATGGCTTTCACCTGAGCTAC-3'
Protein context (NP_689596.4, residues 222-242): RALSEKSLQR[Ser232Leu]AKVVYILEKK

ClinVar aggregate classification (germline): Uncertain significance. Review status: criteria provided, multiple submitters, no conflicts (2 of 4 stars). 3 submissions from 3 submitters: Uncertain significance (3). Last evaluated 2025-10-01.

Conditions:
Perlman syndrome (PRLMNS). Identifiers: Orphanet 2849, MedGen C0796113, MONDO:0009965, OMIM 267000.
Inborn genetic diseases. Identifiers: MedGen C0950123, MeSH D030342.

Allele frequency attached by ClinVar (database versions not stated): ExAC 0.00001; gnomAD exomes 0.00001; TOPMed 0.00002.
gnomAD v4.1: 7 of 1,613,810 alleles (0.00043%); highest among the groups gnomAD compares: Admixed American, 0.005%; no homozygotes.

Submissions (3):

Labcorp Genetics (formerly Invitae), Labcorp
Classification: Uncertain significance for Perlman syndrome. Last evaluated: 2025-10-01. Review status: criteria provided, single submitter. Criteria: Invitae Variant Classification Sherloc (09022015). Collection method: clinical testing. Allele origin: germline.
Comment: This sequence change replaces serine, which is neutral and polar, with leucine, which is neutral and non-polar, at codon 232 of the DIS3L2 protein (p.Ser232Leu). This variant is present in population databases (rs747734015, gnomAD 0.006%). This variant has not been reported in the literature in individuals affected with DIS3L2-related conditions. ClinVar contains an entry for this variant (Variation ID: 576703). Invitae Evidence Modeling of protein sequence and biophysical properties (such as structural, functional, and spatial information, amino acid conservation, physicochemical variation, residue mobility, and thermodynamic stability) indicates that this missense variant is not expected to disrupt DIS3L2 protein function with a negative predictive value of 80%. In summary, the available evidence is currently insufficient to determine the role of this variant in disease. Therefore, it has been classified as a Variant of Uncertain Significance.

Ambry Genetics
Classification: Uncertain significance for Inborn genetic diseases. Last evaluated: 2024-05-02. Review status: criteria provided, single submitter. Criteria: Ambry Variant Classification Scheme 2023. Collection method: clinical testing. Allele origin: germline.

GeneDx
Classification: Uncertain significance. Last evaluated: 2023-01-20. Review status: criteria provided, single submitter. Criteria: GeneDx Variant Classification Process June 2021. Collection method: clinical testing. Allele origin: germline. Affected: yes.
Comment: Has not been previously published as pathogenic or benign to our knowledge; In silico analysis supports that this missense variant has a deleterious effect on protein structure/function